The following is an entry in ClinVar:

NM_005475.3(SH2B3):c.972G>C (p.Glu324Asp)

Gene: SH2B3 (SH2B adaptor protein 3; plus strand). Cytogenetic location: 12q24.12.
Variant type: single nucleotide variant.
Coding change: c.972G>C on transcript NM_005475.3 (MANE Select); coding-DNA position 972, G replaced by C.
Protein change: p.Glu324Asp; replaces glutamic acid 324 with aspartic acid.
Molecular consequence: missense variant.
Genome position (GRCh38, 1-based): chr12:111,447,170, G>C. VCF-style: chr12-111447170-G-C. GRCh37 (hg19) VCF-style: chr12-111884974-G-C.
Other names: c.366G>C, p.Glu122Asp (NM_001291424.1); short protein forms E324D, E122D.
Identifiers: ClinVar variation 3953423 (VCV003953423.1).

ClinVar aggregate classification (germline): Uncertain significance (1 of 4 stars; one submission).

Conditions:
Inborn genetic diseases. Identifiers: MedGen C0950123, MeSH D030342.

Submission:

Ambry Genetics
Classification: Uncertain significance for Inborn genetic diseases. Last evaluated: 2025-04-05. Review status: criteria provided, single submitter. Criteria: Ambry Variant Classification Scheme 2023. Collection method: clinical testing. Allele origin: germline.
Comment: The p.E324D variant (also known as c.972G>C), located in coding exon 4 of the SH2B3 gene, results from a G to C substitution at nucleotide position 972. The glutamic acid at codon 324 is replaced by aspartic acid, an amino acid with highly similar properties. This amino acid position is conserved. In addition, this alteration is predicted to be tolerated by in silico analysis. Based on the available evidence, the clinical significance of this variant remains unclear.